The following is an entry in ClinVar:

ClinVar aggregate classification (germline): Uncertain significance. Review status: criteria provided, multiple submitters, no conflicts (2 of 4 stars). 3 submissions from 3 submitters: Uncertain significance (3). Last evaluated 2024-04-12.

Conditions:
Inborn genetic diseases. Identifiers: MedGen C0950123, MeSH D030342.

Allele frequency attached by ClinVar (database versions not stated): gnomAD exomes 0.00001; TOPMed 0.00002.
gnomAD v4.1: 11 of 1,614,026 alleles (0.00068%); highest among the groups gnomAD compares: Non-Finnish European, 0.00068%; no homozygotes.

Submissions (3):

Ambry Genetics
Classification: Uncertain significance for Inborn genetic diseases. Last evaluated: 2024-04-12. Review status: criteria provided, single submitter. Criteria: Ambry Variant Classification Scheme 2023. Collection method: clinical testing. Allele origin: germline.

Labcorp Genetics (formerly Invitae), Labcorp
Classification: Uncertain significance. Last evaluated: 2022-01-15. Review status: criteria provided, single submitter. Criteria: Invitae Variant Classification Sherloc (09022015). Collection method: clinical testing. Allele origin: germline.
Comment: In summary, the available evidence is currently insufficient to determine the role of this variant in disease. Therefore, it has been classified as a Variant of Uncertain Significance. Algorithms developed to predict the effect of missense changes on protein structure and function are either unavailable or do not agree on the potential impact of this missense change (SIFT: "Tolerated"; PolyPhen-2: "Probably Damaging"; Align-GVGD: "Class C0"). ClinVar contains an entry for this variant (Variation ID: 212457). This variant has not been reported in the literature in individuals affected with TTC19-related conditions. This variant is not present in population databases (gnomAD no frequency). This sequence change replaces lysine, which is basic and polar, with glutamine, which is neutral and polar, at codon 160 of the TTC19 protein (p.Lys160Gln).

Genetic Services Laboratory, University of Chicago
Classification: Uncertain significance. Last evaluated: 2014-06-27. Review status: criteria provided, single submitter. Criteria: ACMG Guidelines, 2015. Collection method: clinical testing. Allele origin: germline.

NM_017775.4(TTC19):c.478A>C (p.Lys160Gln)

Gene: TTC19 (tetratricopeptide repeat domain 19; plus strand). Cytogenetic location: 17p12.
Variant type: single nucleotide variant.
Coding change: c.478A>C on transcript NM_017775.4 (MANE Select); coding-DNA position 478, A replaced by C.
Protein change: p.Lys160Gln; replaces lysine 160 with glutamine.
Molecular consequence: missense variant.
Genome position (GRCh38, 1-based): chr17:16,003,846, A>C. VCF-style: chr17-16003846-A-C. GRCh37 (hg19) VCF-style: chr17-15907160-A-C.
Other names: c.157A>C, p.Lys53Gln (NM_001271420.2); c.841A>C (NM_017775.2); short protein forms K160Q, K53Q.
Identifiers: ClinVar variation 212457 (VCV000212457.11), dbSNP rs797046058, ClinGen allele CA207624.